The following is an entry in ClinVar:

ClinVar aggregate classification (germline): Benign. Review status: criteria provided, multiple submitters, no conflicts (2 of 4 stars). 6 submissions from 6 submitters: Benign (6). Last evaluated 2026-02-04.

Conditions:
Neurodevelopmental disorder with seizures and nonepileptic hyperkinetic movements. Identifiers: MedGen C5193128, MONDO:0032784, OMIM 618497.

Allele frequency attached by ClinVar (database versions not stated): 1000 Genomes Project 30x 0.50281; 1000 Genomes Project 0.50459; TOPMed 0.59346; gnomAD 0.61195 and 0.61214; ESP Exome Variant Server 0.62794; gnomAD exomes 0.68077 and 0.72349; ExAC 0.71593.
gnomAD v4.1: 1,132,272 of 1,590,628 alleles (71%); highest among the groups gnomAD compares: Non-Finnish European, 75%; 416,067 homozygotes.

Submissions (6):

Labcorp Genetics (formerly Invitae), Labcorp
Classification: Benign. Last evaluated: 2026-02-04. Review status: criteria provided, single submitter. Criteria: Invitae Variant Classification Sherloc (09022015). Collection method: clinical testing. Allele origin: germline.

Blueprint Genetics
Classification: Benign. Last evaluated: 2024-11-27. Review status: criteria provided, single submitter. Criteria: ACMG Guidelines, 2015. Collection method: clinical testing. Allele origin: germline.

Unidad de Genómica Garrahan, Hospital de Pediatría Garrahan
Classification: Benign. Last evaluated: 2024-07-31. Review status: criteria provided, single submitter. Criteria: ACMG Guidelines, 2015. Collection method: clinical testing. Allele origin: germline. Affected: no. Observed: 88 variant alleles.
Comment: This variant is classified as Benign based on local population frequency. This variant was detected in 95% of patients studied in a panel designed for Epileptic and Developmental Encephalopathy, Progressive Myoclonus Epilepsy and Abnormal Movements and Neurodegeneration with brain iron accumulation. Number of patients: 88. Only high quality variants are reported.

Genome-Nilou Lab
Classification: Benign for Neurodevelopmental disorder with seizures and nonepileptic hyperkinetic movements. Last evaluated: 2021-07-14. Review status: criteria provided, single submitter. Criteria: ACMG Guidelines, 2015. Collection method: clinical testing. Allele origin: germline. Affected: no.

GeneDx
Classification: Benign. Last evaluated: 2021-03-15. Review status: criteria provided, single submitter. Criteria: GeneDx Variant Classification Process June 2021. Collection method: clinical testing. Allele origin: germline. Affected: yes.

Breakthrough Genomics
Classification: Benign. Review status: criteria provided, single submitter. Criteria: ACMG Guidelines, 2015. Collection method: not provided. Allele origin: germline. Inheritance: Autosomal recessive inheritance. Affected: yes.

NM_000718.4(CACNA1B):c.5583C>T (p.Phe1861=)

Gene: CACNA1B (calcium voltage-gated channel subunit alpha1 B; plus strand). Cytogenetic location: 9q34.3.
Variant type: single nucleotide variant.
Coding change: c.5583C>T on transcript NM_000718.4 (MANE Select); coding-DNA position 5583, C replaced by T.
Protein change: p.Phe1861=; no amino-acid change (phenylalanine 1861 retained).
Molecular consequence: synonymous variant.
Genome position (GRCh38, 1-based): chr9:138,114,424, C>T. VCF-style: chr9-138114424-C-T. GRCh37 (hg19) VCF-style: chr9-141008876-C-T.
Other names: c.5583C>T (NM_000718.3); c.5583C>T, p.Phe1861= (NM_001243812.2).
Identifiers: ClinVar variation 1192558 (VCV001192558.16), dbSNP rs2229948, ClinGen allele CA5377422.